The following is an entry in ClinVar:

ClinVar aggregate classification (germline): other (0 of 4 stars; one submission).

Conditions:
Familial colorectal cancer. Identifiers: MedGen CN280943, MONDO:0023113. Disease mechanism: loss of function.

Allele frequency attached by ClinVar (database versions not stated): gnomAD 0.00385; TOPMed 0.00507; 1000 Genomes Project 0.01198; 1000 Genomes Project 30x 0.01374.
gnomAD v4.1: 415 of 152,300 alleles (0.27%); highest among the groups gnomAD compares: East Asian, 6.4%; 14 homozygotes.

Submission:

Systems Biology Platform Zhejiang California International NanoSystems Institute
Classification: other for Familial colorectal cancer. Review status: no assertion criteria provided. Collection method: not provided. Allele origin: unknown.
ClinVar note: Converted during submission from cancer to other.

NM_000038.6(APC):c.934-802C>A

Gene: APC (APC regulator of WNT signaling pathway; plus strand). Cytogenetic location: 5q22.2.
Variant type: single nucleotide variant.
Coding change: c.934-802C>A on transcript NM_000038.6 (MANE Select); 802 bases into the intron before coding-DNA position 934, C replaced by A.
Molecular consequence: intron variant.
Genome position (GRCh38, 1-based): chr5:112,818,164, C>A. VCF-style: chr5-112818164-C-A. GRCh37 (hg19) VCF-style: chr5-112153861-C-A.
Other names: c.934-802C>A (NM_001354895.2, NM_001127510.3, NM_001354896.2); c.964-802C>A (NM_001354897.2); c.964-1105C>A (NM_001354902.2); c.880-802C>A (NM_001127511.3); c.859-802C>A (NM_001354898.2); c.859-1105C>A (NM_001354904.2); c.85-802C>A (NM_001354906.2); c.934-1105C>A (NM_001354903.2); and 3 more.
Identifiers: ClinVar variation 83116 (VCV000083116.2), dbSNP rs77378981, ClinGen allele CA015949.
Genomic context (GRCh38, chr5:112,818,164, plus strand): 5'-ATGTCTCCAAGATGTTGTCAAATGTGTCCCGATGGGGGCAAAATTGCCCCCAGTTGAGAA[C>A]CATTGACTTATAGAGAATGATGCATTCTTTATATAATAGCCTCTACTTTTATATAATACC-3'